The following is an entry in ClinVar:

NM_001080.3(ALDH5A1):c.1234C>T (p.Arg412Ter)

Gene: ALDH5A1 (aldehyde dehydrogenase 5 family member A1; plus strand). Cytogenetic location: 6p22.3.
Variant type: single nucleotide variant.
Coding change: c.1234C>T on transcript NM_001080.3 (MANE Select); coding-DNA position 1234, C replaced by T.
Protein change: p.Arg412Ter; replaces arginine 412 with a stop codon.
Molecular consequence: nonsense.
Genome position (GRCh38, 1-based): chr6:24,528,057, C>T. VCF-style: chr6-24528057-C-T. GRCh37 (hg19) VCF-style: chr6-24528285-C-T.
Other names: c.1090C>T, p.Arg364Ter (NM_001368954.1); c.1273C>T, p.Arg425Ter (NM_170740.1); short protein forms R412*, R425*, R364*.
Identifiers: ClinVar variation 1358 (VCV000001358.22), dbSNP rs118203983, ClinGen allele CA251759.

ClinVar aggregate classification (germline): Pathogenic. Review status: criteria provided, multiple submitters, no conflicts (2 of 4 stars). 8 submissions from 8 submitters: Pathogenic (7). 1 of the submissions does not count toward it. Last evaluated 2026-06-10.

Conditions:
Succinate-semialdehyde dehydrogenase deficiency (SSADHD). Also called: 4-HYDROXYBUTYRIC ACIDURIA; SSADH DEFICIENCY; Succinic Semialdehyde Dehydrogenase Deficiency; GABA METABOLIC DEFECT. Identifiers: Orphanet 22, MedGen C0268631, MONDO:0010083, OMIM 271980.

Allele frequency attached by ClinVar (database versions not stated): gnomAD 0.00003 and 0.00004; gnomAD exomes 0.00003 and 0.00004; ExAC 0.00005; TOPMed 0.00006.
gnomAD v4.1: 69 of 1,613,944 alleles (0.0043%); highest among the groups gnomAD compares: Non-Finnish European, 0.0047%; no homozygotes.

Submissions (8):

Women's Health and Genetics/Laboratory Corporation of America, LabCorp
Classification: Pathogenic for Succinate-semialdehyde dehydrogenase deficiency. Last evaluated: 2026-06-10. Review status: criteria provided, single submitter. Criteria: LabCorp Variant Classification Summary - May 2015. Collection method: clinical testing. Allele origin: germline.
Comment: Variant summary: ALDH5A1 c.1234C>T (p.Arg412X) results in a premature termination codon, predicted to cause a truncation of the encoded protein or absence of the protein due to nonsense mediated decay, which are commonly known mechanisms for disease. The variant allele was found at a frequency of 3.2e-05 in 251426 control chromosomes (gnomAD). c.1234C>T has been observed in at least one individual affected with Succinic Semialdehyde Dehydrogenase Deficiency (Hogema_2001). To our knowledge, no experimental evidence demonstrating an impact on protein function has been reported. The following publication have been ascertained in the context of this evaluation (PMID: 11243727). ClinVar contains an entry for this variant (Variation ID: 1358). Based on the evidence outlined above, the variant was classified as pathogenic.

Labcorp Genetics (formerly Invitae), Labcorp
Classification: Pathogenic for Succinate-semialdehyde dehydrogenase deficiency. Last evaluated: 2025-06-16. Review status: criteria provided, single submitter. Criteria: Invitae Variant Classification Sherloc (09022015). Collection method: clinical testing. Allele origin: germline.
Comment: This sequence change creates a premature translational stop signal (p.Arg412*) in the ALDH5A1 gene. It is expected to result in an absent or disrupted protein product. Loss-of-function variants in ALDH5A1 are known to be pathogenic (PMID: 14635103). This variant is present in population databases (rs118203983, gnomAD 0.006%). This premature translational stop signal has been observed in individual(s) with succinic semialdehyde dehydrogenase deficiency (PMID: 11243727). ClinVar contains an entry for this variant (Variation ID: 1358). For these reasons, this variant has been classified as Pathogenic.

GeneDx
Classification: Pathogenic. Last evaluated: 2023-05-15. Review status: criteria provided, single submitter. Criteria: GeneDx Variant Classification Process June 2021. Collection method: clinical testing. Allele origin: germline. Affected: yes.
Comment: Not observed at significant frequency in large population cohorts (gnomAD); Nonsense variant predicted to result in protein truncation or nonsense mediated decay in a gene for which loss-of-function is a known mechanism of disease; This variant is associated with the following publications: (PMID: 28191889, 31589614, 25525159, 32238909, 32395407, 25558043, Hongliang2019[article], 16442322, 25431891, 20804942, 14635103, 11243727)

New York Genome Center
Classification: Pathogenic for Succinate-semialdehyde dehydrogenase deficiency. Last evaluated: 2021-06-22. Review status: criteria provided, single submitter. Criteria: NYGC Assertion Criteria 2020. Collection method: clinical testing. Allele origin: inherited. Observed: 1 heterozygote. Study: CSER-NYCKidSeq.

Elsea Laboratory, Baylor College of Medicine
Classification: Pathogenic for Succinate-semialdehyde dehydrogenase deficiency. Last evaluated: 2021-03-08. Review status: criteria provided, single submitter. Criteria: Martin et al. (J Child Neurol. 2021). Collection method: curation. Allele origin: germline. Affected: yes.

Revvity Omics, Revvity
Classification: Pathogenic for Succinate-semialdehyde dehydrogenase deficiency. Last evaluated: 2021-01-30. Review status: criteria provided, single submitter. Criteria: ACMG Guidelines, 2015. Collection method: clinical testing. Allele origin: germline.

Cavalleri Lab, Royal College of Surgeons in Ireland
Classification: Pathogenic for Succinate-semialdehyde dehydrogenase deficiency. Last evaluated: 2019-12-11. Review status: criteria provided, single submitter. Criteria: ACMG Guidelines, 2015. Collection method: research. Allele origin: maternal. Inheritance: Autosomal recessive inheritance. Affected: yes.
Comment: ACMG evidence PVS1, PM3, PP5

OMIM
Classification: Pathogenic for SUCCINIC SEMIALDEHYDE DEHYDROGENASE DEFICIENCY. Last evaluated: 2003-12-01. Review status: no assertion criteria provided. Collection method: literature only. Allele origin: germline. Not counted in ClinVar's aggregate classification.

Literature cited by the submitters: PubMed 11243727 (cited by Women's Health and Genetics/Laboratory Corporation of America, LabCorp and Labcorp Genetics (formerly Invitae), Labcorp); PubMed 14635103 (cited by 3 submitters); PubMed 32238909 (cited by Cavalleri Lab, Royal College of Surgeons in Ireland).